The following is an entry in ClinVar:

NM_001942.4(DSG1):c.2115C>T (p.Tyr705=)

Genes: DSG1 (desmoglein 1; plus strand), DSG1-AS1 (DSG1 antisense RNA 1; minus strand), LOC126862720 (MED14-independent group 3 enhancer GRCh37_chr18:28933613-28934812; plus strand). Cytogenetic location: 18q12.1.
Variant type: single nucleotide variant.
Coding change: c.2115C>T on transcript NM_001942.4 (MANE Select); coding-DNA position 2115, C replaced by T.
Protein change: p.Tyr705=; no amino-acid change (tyrosine 705 retained).
Molecular consequence: synonymous variant.
Genome position (GRCh38, 1-based): chr18:31,354,311, C>T. VCF-style: chr18-31354311-C-T. GRCh37 (hg19) VCF-style: chr18-28934274-C-T.
Identifiers: ClinVar variation 773598 (VCV000773598.35), dbSNP rs146192657, ClinGen allele CA8926282.
Genomic context (GRCh38, chr18:31,354,311, plus strand): 5'-AAATATGCATTCATAATTTCATTTTCTCTTTCTCCTATAAATTCAGAAAGCATATGCTTA[C>T]GCAGATGAAGATGAAGGACGCCCATCTAATGACTGTTTGCTCATATATGACATCGAAGGT-3'
Protein context (NP_001933.2, residues 695-715): ESYFCQKAYA[Tyr705=]ADEDEGRPSN

ClinVar aggregate classification (germline): Benign/Likely benign. Review status: criteria provided, multiple submitters, no conflicts (2 of 4 stars). 3 submissions from 3 submitters: Benign (2); Likely benign (1). Last evaluated 2026-08-01.

Allele frequency attached by ClinVar (database versions not stated): 1000 Genomes Project 0.00300; 1000 Genomes Project 30x 0.00328; ExAC 0.00558; gnomAD exomes 0.00570; gnomAD 0.00608 and 0.00663; ESP Exome Variant Server 0.00646; TOPMed 0.00719.
gnomAD v4.1: 12,924 of 1,613,874 alleles (0.8%); highest among the groups gnomAD compares: Non-Finnish European, 0.96%; 72 homozygotes.

Submissions (3):

CeGaT Center for Human Genetics Tuebingen
Classification: Likely benign. Last evaluated: 2026-08-01. Review status: criteria provided, single submitter. Criteria: CeGaT Center For Human Genetics Tuebingen Variant Classification Criteria Version 2. Collection method: clinical testing. Allele origin: germline. Affected: yes. Observed: 6 variant alleles.
Comment: DSG1: BP4, BP7, BS2

Labcorp Genetics (formerly Invitae), Labcorp
Classification: Benign. Last evaluated: 2026-02-02. Review status: criteria provided, single submitter. Criteria: Invitae Variant Classification Sherloc (09022015). Collection method: clinical testing. Allele origin: germline.

Breakthrough Genomics
Classification: Benign. Review status: criteria provided, single submitter. Criteria: ACMG Guidelines, 2015. Collection method: not provided. Allele origin: germline. Inheritance: Autosomal recessive inheritance. Affected: yes.